The following is an entry in ClinVar:

NM_203447.4(DOCK8):c.5143G>A (p.Asp1715Asn)

Gene: DOCK8 (dedicator of cytokinesis 8; plus strand). Cytogenetic location: 9p24.3.
Variant type: single nucleotide variant.
Coding change: c.5143G>A on transcript NM_203447.4 (MANE Select); coding-DNA position 5143, G replaced by A.
Protein change: p.Asp1715Asn; replaces aspartic acid 1715 with asparagine.
Molecular consequence: missense variant.
Genome position (GRCh38, 1-based): chr9:439,308, G>A. VCF-style: chr9-439308-G-A. GRCh37 (hg19) VCF-style: chr9-439308-G-A.
Other names: c.4843G>A, p.Asp1615Asn (NM_001190458.2); c.4939G>A, p.Asp1647Asn (NM_001193536.2); short protein forms D1647N, D1615N, D1715N.
Identifiers: ClinVar variation 2915443 (VCV002915443.4), dbSNP rs1386678346, ClinGen allele CA372767748.

ClinVar aggregate classification (germline): Uncertain significance. Review status: criteria provided, multiple submitters, no conflicts (2 of 4 stars). 2 submissions from 2 submitters: Uncertain significance (2). Last evaluated 2025-11-03.

Conditions:
Combined immunodeficiency due to DOCK8 deficiency (HIES2). Also called: HIES autosomal recessive; HYPER-IgE RECURRENT INFECTION SYNDROME 2, AUTOSOMAL RECESSIVE; DOCK8 Deficiency; Hyper-IgE recurrent infection syndrome, autosomal recessive; HYPER-IgE SYNDROME 2, AUTOSOMAL RECESSIVE, WITH RECURRENT INFECTIONS. Identifiers: Orphanet 217390, MedGen C4722305, MONDO:0009478, OMIM 243700.

Allele frequency attached by ClinVar (database versions not stated): gnomAD exomes below 0.00001; TOPMed 0.00002.
gnomAD v4.1: 1 of 1,614,202 alleles (0.000062%); highest among the groups gnomAD compares: East Asian, 0.0022%; no homozygotes.

Submissions (2):

Women's Health and Genetics/Laboratory Corporation of America, LabCorp
Classification: Uncertain significance. Last evaluated: 2025-11-03. Review status: criteria provided, single submitter. Criteria: LabCorp Variant Classification Summary - May 2015. Collection method: clinical testing. Allele origin: germline.
Comment: Variant summary: DOCK8 c.5143G>A (p.Asp1715Asn) results in a conservative amino acid change in the encoded protein sequence. Algorithms developed to predict the effect of missense changes on protein structure and function are either unavailable or do not agree on the potential impact of this missense change. The variant allele was found at a frequency of 4e-06 in 251478 control chromosomes. The available data on variant occurrences in the general population are insufficient to allow any conclusion about variant significance. To our knowledge, no occurrence of c.5143G>A in individuals affected with DOCK8-related conditions and no experimental evidence demonstrating its impact on protein function have been reported. The following publication has been ascertained in the context of this evaluation (PMID: 30564305). ClinVar contains an entry for this variant (Variation ID: 2915443). Based on the evidence outlined above, the variant was classified as uncertain significance.

Labcorp Genetics (formerly Invitae), Labcorp
Classification: Uncertain significance for Combined immunodeficiency due to DOCK8 deficiency. Last evaluated: 2025-01-02. Review status: criteria provided, single submitter. Criteria: Invitae Variant Classification Sherloc (09022015). Collection method: clinical testing. Allele origin: germline.
Comment: This sequence change replaces aspartic acid, which is acidic and polar, with asparagine, which is neutral and polar, at codon 1715 of the DOCK8 protein (p.Asp1715Asn). This variant is present in population databases (no rsID available, gnomAD 0.006%). This variant has not been reported in the literature in individuals affected with DOCK8-related conditions. ClinVar contains an entry for this variant (Variation ID: 2915443). Invitae Evidence Modeling of protein sequence and biophysical properties (such as structural, functional, and spatial information, amino acid conservation, physicochemical variation, residue mobility, and thermodynamic stability) indicates that this missense variant is expected to disrupt DOCK8 protein function with a positive predictive value of 80%. In summary, the available evidence is currently insufficient to determine the role of this variant in disease. Therefore, it has been classified as a Variant of Uncertain Significance.

Literature cited by the submitters: PubMed 30564305 (cited by Women's Health and Genetics/Laboratory Corporation of America, LabCorp).